The following is an entry in ClinVar:

ClinVar aggregate classification (germline): Conflicting classifications of pathogenicity. Review status: criteria provided, conflicting classifications (1 of 4 stars). 4 submissions from 4 submitters: Uncertain significance (2); Benign (1); Likely benign (1). Last evaluated 2025-12-24.

Conditions:
NOTCH1-related disorder. Also called: NOTCH1-related disorders; NOTCH1-related condition.
Adams-Oliver syndrome 5 (AOS5). Identifiers: Orphanet 974, MedGen C4014970, MONDO:0014459, OMIM 616028.
Familial thoracic aortic aneurysm and aortic dissection (TAAD). Also called: Thoracic aortic aneurysms and dissections. Identifiers: Orphanet 91387, MedGen C4707243, MONDO:0019625.

Allele frequency attached by ClinVar (database versions not stated): ExAC below 0.00001; gnomAD 0.00001; gnomAD exomes 0.00002 and 0.00003; TOPMed 0.00002.
gnomAD v4.1: 45 of 1,578,542 alleles (0.0029%); highest among the groups gnomAD compares: Middle Eastern, 0.022%; no homozygotes.

Submissions (4):

Labcorp Genetics (formerly Invitae), Labcorp
Classification: Benign for Adams-Oliver syndrome 5. Last evaluated: 2025-12-24. Review status: criteria provided, single submitter. Criteria: Invitae Variant Classification Sherloc (09022015). Collection method: clinical testing. Allele origin: germline.

PreventionGenetics, part of Exact Sciences
Classification: Uncertain significance for NOTCH1-related condition. Last evaluated: 2025-05-02. Review status: criteria provided, single submitter. Criteria: ACMG Guidelines, 2015. Collection method: clinical testing. Allele origin: germline.
Comment: The NOTCH1 c.79C>A variant is predicted to result in the amino acid substitution p.Pro27Thr. To our knowledge, this variant has not been reported in the literature. This variant is reported in 0.0048% of alleles in individuals of European (Non-Finnish) descent in gnomAD. At this time, the clinical significance of this variant is uncertain due to the absence of conclusive functional and genetic evidence.

Laboratory of Genetics, Children's Clinical University Hospital Latvia
Classification: Likely benign. Last evaluated: 2025-02-16. Review status: criteria provided, single submitter. Criteria: ACMG Guidelines, 2015. Collection method: clinical testing. Allele origin: germline. Affected: yes.

Ambry Genetics
Classification: Uncertain significance for Familial thoracic aortic aneurysm and aortic dissection. Last evaluated: 2024-03-26. Review status: criteria provided, single submitter. Criteria: Ambry Variant Classification Scheme 2023. Collection method: clinical testing. Allele origin: germline.

NM_017617.5(NOTCH1):c.79C>A (p.Pro27Thr)

Gene: NOTCH1 (notch receptor 1; minus strand). Cytogenetic location: 9q34.3.
Variant type: single nucleotide variant.
Coding change: c.79C>A on transcript NM_017617.5 (MANE Select); coding-DNA position 79, C replaced by A.
Protein change: p.Pro27Thr; replaces proline 27 with threonine.
Molecular consequence: missense variant.
Genome position (GRCh38, 1-based): chr9:136,544,085, G>T on the plus strand (C>A on the coding strand, the complement: NOTCH1 is on the minus strand). VCF-style: chr9-136544085-G-T. GRCh37 (hg19) VCF-style: chr9-139438537-G-T.
Other names: c.79C>A, p.Pro27Thr (LRG_1122t1); c.79C>A (NM_017617.4); short protein forms P27T.
Identifiers: ClinVar variation 409077 (VCV000409077.13), dbSNP rs769784635, ClinGen allele CA5342260.